The following is an entry in ClinVar:

ClinVar aggregate classification (germline): Uncertain significance (1 of 4 stars; one submission).

gnomAD v4.1: 1 of 1,613,542 alleles (0.000062%); no homozygotes.

Submission:

Ambry Genetics
Classification: Uncertain significance. Last evaluated: 2023-07-20. Review status: criteria provided, single submitter. Criteria: Ambry Variant Classification Scheme 2023. Collection method: clinical testing. Allele origin: germline.
Comment: The p.Y2459D variant (also known as c.7375T>G), located in coding exon 27 of the POLQ gene, results from a T to G substitution at nucleotide position 7375. The tyrosine at codon 2459 is replaced by aspartic acid, an amino acid with highly dissimilar properties. This amino acid position is conserved. In addition, this alteration is predicted to be deleterious by in silico analysis. Since supporting evidence is limited at this time, the clinical significance of this alteration remains unclear.

NM_199420.4(POLQ):c.7375T>G (p.Tyr2459Asp)

Gene: POLQ (DNA polymerase theta; minus strand). Cytogenetic location: 3q13.33.
Variant type: single nucleotide variant.
Coding change: c.7375T>G on transcript NM_199420.4 (MANE Select); coding-DNA position 7375, T replaced by G.
Protein change: p.Tyr2459Asp; replaces tyrosine 2459 with aspartic acid.
Molecular consequence: missense variant.
Genome position (GRCh38, 1-based): chr3:121,440,006, A>C on the plus strand (T>G on the coding strand, the complement: POLQ is on the minus strand). VCF-style: chr3-121440006-A-C. GRCh37 (hg19) VCF-style: chr3-121158853-A-C.
Other names: short protein forms Y2459D.
Identifiers: ClinVar variation 2625837 (VCV002625837.2), dbSNP rs2546749836, ClinGen allele CA354097757.
Genomic context (GRCh38, chr3:121,440,006, plus strand): 5'-TGTCATTGAAATGTTAAGTTAAAATTCCTAAAAAATTTCAACATACGTGAGCTTTACGAT[A>C]AGGGTTGTTGTCTTTGATTCCTGGCAAATATCTACGCCTTCCCAAAATGGTCTGAACAAA-3'
Protein context (NP_955452.3, residues 2449-2469): YLPGIKDNNP[Tyr2459Asp]RKAHAERQAI